The following is an entry in ClinVar:

ClinVar aggregate classification (germline): Pathogenic (1 of 4 stars; one submission).

Submission:

GeneDx
Classification: Pathogenic. Last evaluated: 2026-04-01. Review status: criteria provided, single submitter. Criteria: GeneDx Variant Classification Process June 2021. Collection method: clinical testing. Allele origin: germline.
Comment: Reported in an individual with early onset atrial fibrillation who harbored an additional variant in KCNJ11 (PMID: 33950154); Frameshift variant predicted to result in protein truncation or nonsense mediated decay in a gene for which loss of function is a known mechanism of disease; Not observed at significant frequency in large population cohorts (gnomAD); Also known as 5741delA, N1914fs; This variant is associated with the following publications: (PMID: 33950154)

NM_000719.7(CACNA1C):c.5597del (p.Asn1866fs)

Genes: CACNA1C (calcium voltage-gated channel subunit alpha1 C; plus strand), CACNA1C-AS1 (CACNA1C antisense RNA 1; minus strand). Cytogenetic location: 12p13.33.
Variant type: Deletion.
Coding change: c.5597del on transcript NM_000719.7 (MANE Select); coding-DNA position 5597, one base deleted (A; older notation c.5597delA).
Protein change: p.Asn1866fs; shifts the reading frame from asparagine 1866.
Molecular consequence: frameshift variant.
Genome position (GRCh38, 1-based): chr12:2,685,759, A deleted; the last of 4 consecutive A bases (chr12:2,685,756-2,685,759); deleting any one gives the same sequence. VCF-style (leftmost placement, unchanged base first): chr12-2685755-GA-G. GRCh37 (hg19) VCF-style: chr12-2794921-GA-G.
Other names: c.5597del, p.Asn1866fs (NM_001129842.2, NM_001129843.2, NM_001167623.2 and 2 more transcripts); c.5588del, p.Asn1863fs (NM_001129844.2); c.5564del, p.Asn1855fs (NM_001129846.2); c.5702del, p.Asn1901fs (NM_001167624.3, NM_001129830.3); c.5777del, p.Asn1926fs (NM_001167625.2); c.5846del, p.Asn1949fs (NM_199460.4); c.5615del, p.Asn1872fs (NM_001129839.2); c.5597delA, p.Asn1866Ilefs (NM_000719.6); and 7 more; short protein forms N1855fs, N1863fs, N1866fs, N1872fs, N1874fs, N1883fs, N1885fs, N1886fs.
Identifiers: ClinVar variation 5016755 (VCV005016755.1).